The following is an entry in ClinVar:

NM_206933.4(USH2A):c.3328T>A (p.Phe1110Ile)

Genes: USH2A (usherin; minus strand), USH2A-AS1 (USH2A antisense RNA 1; plus strand). Cytogenetic location: 1q41.
Variant type: single nucleotide variant.
Coding change: c.3328T>A on transcript NM_206933.4 (MANE Select); coding-DNA position 3328, T replaced by A.
Protein change: p.Phe1110Ile; replaces phenylalanine 1110 with isoleucine.
Molecular consequence: missense variant.
Genome position (GRCh38, 1-based): chr1:216,200,110, A>T on the plus strand (T>A on the coding strand, the complement: USH2A is on the minus strand). VCF-style: chr1-216200110-A-T. GRCh37 (hg19) VCF-style: chr1-216373452-A-T.
Other names: c.3328T>A, p.Phe1110Ile (NM_007123.6); short protein forms F1110I.
Identifiers: ClinVar variation 1800482 (VCV001800482.1), dbSNP rs2034950849, ClinGen allele CA344869121.

ClinVar aggregate classification (germline): Uncertain significance (1 of 4 stars; one submission).

Allele frequency attached by ClinVar (database versions not stated): TOPMed below 0.00001.

Submission:

GeneDx
Classification: Uncertain significance. Last evaluated: 2022-05-16. Review status: criteria provided, single submitter. Criteria: GeneDx Variant Classification Process June 2021. Collection method: clinical testing. Allele origin: germline. Affected: yes.
Comment: Not observed at significant frequency in large population cohorts (gnomAD); In silico analysis supports that this missense variant has a deleterious effect on protein structure/function; Has not been previously published as pathogenic or benign to our knowledge